The following is an entry in ClinVar:

NM_003072.5(SMARCA4):c.1460A>G (p.Lys487Arg)

Gene: SMARCA4 (SWI/SNF related BAF chromatin remodeling complex subunit ATPase 4; plus strand). Cytogenetic location: 19p13.2.
Variant type: single nucleotide variant.
Coding change: c.1460A>G on transcript NM_003072.5 (MANE Select); coding-DNA position 1460, A replaced by G.
Protein change: p.Lys487Arg; replaces lysine 487 with arginine.
Molecular consequence: missense variant. On other transcripts: non-coding transcript variant (1).
Genome position (GRCh38, 1-based): chr19:10,994,868, A>G. VCF-style: chr19-10994868-A-G. GRCh37 (hg19) VCF-style: chr19-11105544-A-G.
Other names: c.1460A>G, p.Lys487Arg (NM_001128844.3, NM_001128845.2, NM_001128846.2 and 4 more transcripts); c.1460A>G (NM_001128849.1); short protein forms K487R.
Identifiers: ClinVar variation 1026669 (VCV001026669.9), dbSNP rs2086882004, ClinGen allele CA404062033.
Genomic context (GRCh38, chr19:10,994,868, plus strand): 5'-TCTTTTGTGCTTTCCTGCAGGAATACCTCAATAGCATTCTCCAGCATGCCAAGGATTTCA[A>G]GGAATATCACAGATCCGTCACAGGCAAAATCCAGAAGCTGACCAAGGCAGTGGCCACGTA-3'
Protein context (NP_003063.2, residues 477-497): NSILQHAKDF[Lys487Arg]EYHRSVTGKI

ClinVar aggregate classification (germline): Uncertain significance. Review status: criteria provided, multiple submitters, no conflicts (2 of 4 stars). 2 submissions from 2 submitters: Uncertain significance (2). Last evaluated 2025-01-29.

Conditions:
Hereditary cancer-predisposing syndrome. Also called: Neoplastic Syndromes, Hereditary; Tumor predisposition; Hereditary Cancer Syndrome; Hereditary neoplastic syndrome. Identifiers: Orphanet 140162, MedGen C0027672, MeSH D009386, MONDO:0015356.
Rhabdoid tumor predisposition syndrome 2 (RTPS2). Identifiers: Orphanet 231108, Orphanet 69077, MedGen C2750074, MONDO:0013224, OMIM 613325.

Submissions (2):

Labcorp Genetics (formerly Invitae), Labcorp
Classification: Uncertain significance for Rhabdoid tumor predisposition syndrome 2. Last evaluated: 2025-01-29. Review status: criteria provided, single submitter. Criteria: Invitae Variant Classification Sherloc (09022015). Collection method: clinical testing. Allele origin: germline.
Comment: This sequence change replaces lysine, which is basic and polar, with arginine, which is basic and polar, at codon 487 of the SMARCA4 protein (p.Lys487Arg). This variant is not present in population databases (gnomAD no frequency). This variant has not been reported in the literature in individuals affected with SMARCA4-related conditions. ClinVar contains an entry for this variant (Variation ID: 1026669). Invitae Evidence Modeling of protein sequence and biophysical properties (such as structural, functional, and spatial information, amino acid conservation, physicochemical variation, residue mobility, and thermodynamic stability) indicates that this missense variant is not expected to disrupt SMARCA4 protein function with a negative predictive value of 95%. In summary, the available evidence is currently insufficient to determine the role of this variant in disease. Therefore, it has been classified as a Variant of Uncertain Significance.

Ambry Genetics
Classification: Uncertain significance for Hereditary cancer-predisposing syndrome. Last evaluated: 2024-10-20. Review status: criteria provided, single submitter. Criteria: Ambry Variant Classification Scheme 2023. Collection method: clinical testing. Allele origin: germline.
Comment: The p.K487R variant (also known as c.1460A>G), located in coding exon 8 of the SMARCA4 gene, results from an A to G substitution at nucleotide position 1460. The lysine at codon 487 is replaced by arginine, an amino acid with highly similar properties. This amino acid position is conserved. In addition, this alteration is predicted to be tolerated by in silico analysis. Based on the available evidence, the clinical significance of this variant remains unclear.